The following is an entry in ClinVar:

ClinVar aggregate classification (germline): Uncertain significance (1 of 4 stars; one submission).

Conditions:
Developmental and epileptic encephalopathy, 34 (DEE34). Also called: SLC12A5-Related Epilepsy of Infancy with Migrating Focal Seizures; Early infantile epileptic encephalopathy 34. Identifiers: Orphanet 293181, MedGen C4225257, MONDO:0014718, OMIM 616645.

Allele frequency attached by ClinVar (database versions not stated): gnomAD exomes below 0.00001.
gnomAD v4.1: 1 of 1,614,054 alleles (0.000062%); highest among the groups gnomAD compares: Non-Finnish European, 0.000085%; no homozygotes.

Submission:

Labcorp Genetics (formerly Invitae), Labcorp
Classification: Uncertain significance for Developmental and epileptic encephalopathy, 34. Last evaluated: 2020-06-09. Review status: criteria provided, single submitter. Criteria: Invitae Variant Classification Sherloc (09022015). Collection method: clinical testing. Allele origin: germline.
Comment: This sequence change replaces glycine with serine at codon 345 of the SLC12A5 protein (p.Gly345Ser). The glycine residue is moderately conserved and there is a small physicochemical difference between glycine and serine. This variant is not present in population databases (ExAC no frequency). This variant has not been reported in the literature in individuals with SLC12A5-related conditions. Algorithms developed to predict the effect of missense changes on protein structure and function are either unavailable or do not agree on the potential impact of this missense change (SIFT: "Tolerated"; PolyPhen-2: "Possibly Damaging"; Align-GVGD: "Class C0"). In summary, the available evidence is currently insufficient to determine the role of this variant in disease. Therefore, it has been classified as a Variant of Uncertain Significance.

NM_020708.5(SLC12A5):c.1033G>A (p.Gly345Ser)

Gene: SLC12A5 (solute carrier family 12 member 5; plus strand). Cytogenetic location: 20q13.12.
Variant type: single nucleotide variant.
Coding change: c.1033G>A on transcript NM_020708.5 (MANE Select); coding-DNA position 1033, G replaced by A.
Protein change: p.Gly345Ser; replaces glycine 345 with serine.
Molecular consequence: missense variant.
Genome position (GRCh38, 1-based): chr20:46,041,507, G>A. VCF-style: chr20-46041507-G-A. GRCh37 (hg19) VCF-style: chr20-44670146-G-A.
Other names: c.1102G>A, p.Gly368Ser (NM_001134771.2); short protein forms G345S, G368S.
Identifiers: ClinVar variation 1024561 (VCV001024561.9), dbSNP rs909559043, ClinGen allele CA315635245.
Genomic context (GRCh38, chr20:46,041,507, plus strand): 5'-CGCTTCCTCAACGCCACCTGTGATGAATACTTCACCCGAAACAATGTCACAGAGATCCAG[G>A]GCATCCCTGGTGCTGCCAGTGGCCTCATCAAAGGTCTGCGGAGGGACAAGGGCTGGCATC-3'
Protein context (NP_065759.1, residues 335-355): FTRNNVTEIQ[Gly345Ser]IPGAASGLIK